The following is an entry in ClinVar:

NM_000059.4(BRCA2):c.8179G>T (p.Ala2727Ser)

Gene: BRCA2 (BRCA2 DNA repair associated; plus strand). Cytogenetic location: 13q13.1.
Variant type: single nucleotide variant.
Coding change: c.8179G>T on transcript NM_000059.4 (MANE Select); coding-DNA position 8179, G replaced by T.
Protein change: p.Ala2727Ser; replaces alanine 2727 with serine.
Molecular consequence: missense variant.
Genome position (GRCh38, 1-based): chr13:32,363,381, G>T. VCF-style: chr13-32363381-G-T. GRCh37 (hg19) VCF-style: chr13-32937518-G-T.
Other names: p.A2727S:GCT>TCT; short protein forms A2727S.
Identifiers: ClinVar variation 182274 (VCV000182274.15), dbSNP rs730881582, ClinGen allele CA025492.
Genomic context (GRCh38, chr13:32,363,381, plus strand): 5'-AAAACTAGTAGTGCAGATACCCAAAAAGTGGCCATTATTGAACTTACAGATGGGTGGTAT[G>T]CTGTTAAGGCCCAGTTAGATCCTCCCCTCTTAGCTGTCTTAAAGAATGGCAGACTGACAG-3'
Protein context (NP_000050.3, residues 2717-2737): AIIELTDGWY[Ala2727Ser]VKAQLDPPLL

ClinVar aggregate classification (germline): Conflicting classifications of pathogenicity. Review status: criteria provided, conflicting classifications (1 of 4 stars). 4 submissions from 4 submitters: Uncertain significance (3); Benign (1). Last evaluated 2025-05-21.

Conditions:
Familial cancer of breast. Also called: BREAST CANCER, FAMILIAL; Hereditary breast cancer; hereditary breast carcinoma. Identifiers: Orphanet 227535, MedGen C0346153, MONDO:0016419, OMIM 114480. Disease mechanism: loss of function.
Hereditary cancer-predisposing syndrome. Also called: Tumor predisposition; Hereditary Cancer Syndrome; Hereditary neoplastic syndrome; Neoplastic Syndromes, Hereditary. Identifiers: Orphanet 140162, MedGen C0027672, MeSH D009386, MONDO:0015356.
Hereditary breast ovarian cancer syndrome. Also called: Breast and ovarian cancer; Hereditary breast and ovarian cancer; Hereditary breast and/or ovarian cancer syndrome; BRCA1- and BRCA2-Associated Hereditary Breast and Ovarian Cancer; Hereditary breast and ovarian cancer syndrome (HBOC); Hereditary breast and ovarian cancer syndrome. Identifiers: Orphanet 145, MedGen C0677776, MeSH D061325, MONDO:0003582. Disease mechanism: loss of function.

Allele frequency attached by ClinVar (database versions not stated): gnomAD 0.00001.
gnomAD v4.1: 1 of 1,614,030 alleles (0.000062%); highest among the groups gnomAD compares: Admixed American, 0.0017%; no homozygotes.

Submissions (4):

Ambry Genetics
Classification: Benign for Hereditary cancer-predisposing syndrome. Last evaluated: 2025-05-21. Review status: criteria provided, single submitter. Criteria: Ambry Variant Classification Scheme 2023. Collection method: clinical testing. Allele origin: germline.

Baylor Genetics
Classification: Uncertain significance for Familial cancer of breast. Last evaluated: 2024-01-21. Review status: criteria provided, single submitter. Criteria: ACMG Guidelines, 2015. Collection method: clinical testing. Allele origin: unknown.

Labcorp Genetics (formerly Invitae), Labcorp
Classification: Uncertain significance for Hereditary breast ovarian cancer syndrome. Last evaluated: 2022-02-22. Review status: criteria provided, single submitter. Criteria: Invitae Variant Classification Sherloc (09022015). Collection method: clinical testing. Allele origin: germline.
Comment: This sequence change replaces alanine, which is neutral and non-polar, with serine, which is neutral and polar, at codon 2727 of the BRCA2 protein (p.Ala2727Ser). This variant is not present in population databases (gnomAD no frequency). This variant has not been reported in the literature in individuals affected with BRCA2-related conditions. ClinVar contains an entry for this variant (Variation ID: 182274). Algorithms developed to predict the effect of missense changes on protein structure and function are either unavailable or do not agree on the potential impact of this missense change (SIFT: "Tolerated"; PolyPhen-2: "Probably Damaging"; Align-GVGD: "Class C0"). In summary, the available evidence is currently insufficient to determine the role of this variant in disease. Therefore, it has been classified as a Variant of Uncertain Significance.

GeneDx
Classification: Uncertain significance. Last evaluated: 2014-09-30. Review status: criteria provided, single submitter. Criteria: GeneDx Variant Classification (06012015). Collection method: clinical testing. Allele origin: germline. Affected: yes.
Comment: This variant is denoted BRCA2 c.8179G>T at the cDNA level, p.Ala2727Ser (A2727S) at the protein level, and results in the change of an Alanine to a Serine (GCT>TCT). This variant has not, to our knowledge, been published in the literature as pathogenic or benign. BRCA2 Ala2727Ser was not observed in approximately 6,500 individuals of European and African American ancestry in the NHLBI Exome Sequencing Project, indicating it is not a common benign variant in these populations. Since Alanine and Serine differ in polarity, charge, size or other properties, this is considered a non-conservative amino acid substitution. BRCA2 Ala2727Ser occurs at a position that is conserved among mammals and is located in the DNA binding domain (Borg 2010). In silico analyses predict that this variant is unlikely to alter protein structure or function. Based on currently available information, it is unclear whether BRCA2 Ala2727Ser is pathogenic or benign. We consider it to be a variant of uncertain significance.